The following is an entry in ClinVar:

NM_001029896.2(WDR45):c.1032_1033del (p.Asn344fs)

Gene: WDR45 (WD repeat domain 45; minus strand). Cytogenetic location: Xp11.23.
Variant type: Deletion.
Coding change: c.1032_1033del on transcript NM_001029896.2 (MANE Select); coding-DNA positions 1032 to 1033, 2 bases deleted (CA; older notation c.1032_1033delCA).
Protein change: p.Asn344fs; shifts the reading frame from asparagine 344.
Molecular consequence: frameshift variant.
Genome position (GRCh38, 1-based): chrX:49,074,853-49,074,854, TG deleted on the plus strand (CA on the coding strand, the reverse complement: WDR45 is on the minus strand); deleting any 2 consecutive bases within chrX:49,074,853-49,074,855 gives the same sequence; the c. name uses the placement nearest the transcript's 3' end. VCF-style (leftmost placement, unchanged base first): chrX-49074852-CTG-C. GRCh37 (hg19) VCF-style: chrX-48932511-CTG-C.
Other names: c.1035_1036del, p.Asn345fs (NM_007075.4); short protein forms N344fs, N345fs.
Identifiers: ClinVar variation 4071605 (VCV004071605.1).

ClinVar aggregate classification (germline): Likely pathogenic (1 of 4 stars; one submission).

Submission:

GeneDx
Classification: Likely pathogenic. Last evaluated: 2025-01-27. Review status: criteria provided, single submitter. Criteria: GeneDx Variant Classification Process June 2021. Collection method: clinical testing. Allele origin: germline. Affected: yes.
Comment: Frameshift variant predicted to result in abnormal protein length as the last 17 amino acids are replaced with 8 different amino acids; Not observed at significant frequency in large population cohorts (gnomAD); Has not been previously published as pathogenic or benign to our knowledge